The following is an entry in ClinVar:

ClinVar aggregate classification (germline): Uncertain significance. Review status: criteria provided, multiple submitters, no conflicts (2 of 4 stars). 3 submissions from 3 submitters: Uncertain significance (3). Last evaluated 2024-12-13.

Conditions:
Inborn genetic diseases. Identifiers: MedGen C0950123, MeSH D030342.

Allele frequency attached by ClinVar (database versions not stated): ESP Exome Variant Server 0.00008; TOPMed 0.00016; gnomAD 0.00017 and 0.00019.
gnomAD v4.1: 48 of 1,613,600 alleles (0.003%); highest among the groups gnomAD compares: African/African-American, 0.057%; no homozygotes.

Submissions (3):

Ambry Genetics
Classification: Uncertain significance for Inborn genetic diseases. Last evaluated: 2024-12-13. Review status: criteria provided, single submitter. Criteria: Ambry Variant Classification Scheme 2023. Collection method: clinical testing. Allele origin: germline.

Blueprint Genetics
Classification: Uncertain significance. Last evaluated: 2021-09-07. Review status: criteria provided, single submitter. Criteria: ACMG Guidelines, 2015. Collection method: clinical testing. Allele origin: germline.

Labcorp Genetics (formerly Invitae), Labcorp
Classification: Uncertain significance. Last evaluated: 2021-08-14. Review status: criteria provided, single submitter. Criteria: Invitae Variant Classification Sherloc (09022015). Collection method: clinical testing. Allele origin: germline.
Comment: This sequence change replaces proline with leucine at codon 689 of the HPS6 protein (p.Pro689Leu). The proline residue is moderately conserved and there is a moderate physicochemical difference between proline and leucine. This variant is present in population databases (rs375791336, ExAC 0.02%). This variant has not been reported in the literature in individuals affected with HPS6-related conditions. Algorithms developed to predict the effect of missense changes on protein structure and function are either unavailable or do not agree on the potential impact of this missense change (SIFT: "Tolerated"; PolyPhen-2: "Possibly Damaging"; Align-GVGD: "Class C0"). In summary, the available evidence is currently insufficient to determine the role of this variant in disease. Therefore, it has been classified as a Variant of Uncertain Significance.

NM_024747.6(HPS6):c.2066C>T (p.Pro689Leu)

Gene: HPS6 (HPS6 biogenesis of lysosomal organelles complex 2 subunit 3; plus strand). Cytogenetic location: 10q24.32.
Variant type: single nucleotide variant.
Coding change: c.2066C>T on transcript NM_024747.6 (MANE Select); coding-DNA position 2066, C replaced by T.
Protein change: p.Pro689Leu; replaces proline 689 with leucine.
Molecular consequence: missense variant.
Genome position (GRCh38, 1-based): chr10:102,067,540, C>T. VCF-style: chr10-102067540-C-T. GRCh37 (hg19) VCF-style: chr10-103827297-C-T.
Other names: c.2066C>T (NM_024747.5); short protein forms P689L.
Identifiers: ClinVar variation 1439183 (VCV001439183.7), dbSNP rs375791336, ClinGen allele CA5660098.